The following is an entry in ClinVar:

ClinVar aggregate classification (germline): Conflicting classifications of pathogenicity. Review status: criteria provided, conflicting classifications (1 of 4 stars). 5 submissions from 5 submitters: Uncertain significance (1); Likely benign (3). 1 of the submissions does not count toward it. Last evaluated 2026-02-02.

Conditions:
AMT-related disorder. Also called: AMT-related condition.
Glycine encephalopathy. Also called: Nonketotic hyperglycinemia; Non-ketotic hyperglycinemia. Identifiers: Orphanet 407, MedGen C0751748, MONDO:0011612, HP:0008288.

Allele frequency attached by ClinVar (database versions not stated): ESP Exome Variant Server 0.00008; gnomAD exomes 0.00012 and 0.00024; TOPMed 0.00012; gnomAD 0.00013 and 0.00014; ExAC 0.00005.
gnomAD v4.1: 367 of 1,613,788 alleles (0.023%); highest among the groups gnomAD compares: Non-Finnish European, 0.03%; no homozygotes.

Submissions (5):

Labcorp Genetics (formerly Invitae), Labcorp
Classification: Likely benign for Glycine encephalopathy. Last evaluated: 2026-02-02. Review status: criteria provided, single submitter. Criteria: Invitae Variant Classification Sherloc (09022015). Collection method: clinical testing. Allele origin: germline.

CeGaT Center for Human Genetics Tuebingen
Classification: Likely benign. Last evaluated: 2025-02-01. Review status: criteria provided, single submitter. Criteria: CeGaT Center For Human Genetics Tuebingen Variant Classification Criteria Version 2. Collection method: clinical testing. Allele origin: germline. Affected: yes. Observed: 2 variant alleles.
Comment: AMT: BP4, BP7

Blueprint Genetics
Classification: Likely benign. Last evaluated: 2024-11-18. Review status: criteria provided, single submitter. Criteria: ACMG Guidelines, 2015. Collection method: clinical testing. Allele origin: germline.

Illumina Laboratory Services, Illumina
Classification: Uncertain significance for Glycine encephalopathy 1. Last evaluated: 2018-01-13. Review status: criteria provided, single submitter. Criteria: ICSL Variant Classification Criteria 13 December 2019. Collection method: clinical testing. Allele origin: germline.

PreventionGenetics, part of Exact Sciences
Classification: Likely benign for AMT-related condition. Last evaluated: 2019-06-13. Review status: no assertion criteria provided. Collection method: clinical testing. Allele origin: germline. Not counted in ClinVar's aggregate classification.
Comment: This variant is classified as likely benign based on ACMG/AMP sequence variant interpretation guidelines (Richards et al. 2015 PMID: 25741868, with internal and published modifications).

NM_000481.4(AMT):c.858C>A (p.Gly286=)

Gene: AMT (aminomethyltransferase; minus strand). Cytogenetic location: 3p21.31.
Variant type: single nucleotide variant.
Coding change: c.858C>A on transcript NM_000481.4 (MANE Select); coding-DNA position 858, C replaced by A.
Protein change: p.Gly286=; no amino-acid change (glycine 286 retained).
Molecular consequence: synonymous variant. On other transcripts: non-coding transcript variant (1).
Genome position (GRCh38, 1-based): chr3:49,418,990, G>T on the plus strand (C>A on the coding strand, the complement: AMT is on the minus strand). VCF-style: chr3-49418990-G-T. GRCh37 (hg19) VCF-style: chr3-49456423-G-T.
Other names: c.726C>A, p.Gly242= (NM_001164710.2); c.690C>A, p.Gly230= (NM_001164711.2); c.858C>A, p.Gly286= (NM_001164712.2).
Identifiers: ClinVar variation 346030 (VCV000346030.39), dbSNP rs367726589, ClinGen allele CA2398223.